The following is an entry in ClinVar:

NM_000152.5(GAA):c.1130del (p.Gly377fs)

Gene: GAA (alpha glucosidase; plus strand). Cytogenetic location: 17q25.3.
Variant type: Deletion.
Coding change: c.1130del on transcript NM_000152.5 (MANE Select); coding-DNA position 1130, one base deleted (G; older notation c.1130delG).
Protein change: p.Gly377fs; shifts the reading frame from glycine 377.
Molecular consequence: frameshift variant.
Genome position (GRCh38, 1-based): chr17:80,108,543, G deleted; the last of 4 consecutive G bases (chr17:80,108,540-80,108,543); deleting any one gives the same sequence. VCF-style (leftmost placement, unchanged base first): chr17-80108539-TG-T. GRCh37 (hg19) VCF-style: chr17-78082338-TG-T.
Other names: c.1130del, p.Gly377fs (NM_001079803.3, NM_001079804.3); c.1127del (NM_000152.5); short protein forms G377fs.
Identifiers: ClinVar variation 497032 (VCV000497032.15), dbSNP rs754134578, ClinGen allele CA8815179.

ClinVar aggregate classification (germline): Likely pathogenic. Review status: reviewed by expert panel (3 of 4 stars). 5 submissions from 5 submitters: Likely pathogenic (1). 4 of the submissions do not count toward it. Last evaluated 2023-05-26.

Conditions:
Glycogen storage disease due to acid maltase deficiency, late-onset (LOPD). Also called: POMPE DISEASE, LATE-ONSET; GLYCOGEN STORAGE DISEASE II, LATE-ONSET; ACID ALPHA-GLUCOSIDASE DEFICIENCY, LATE-ONSET; GAA DEFICIENCY, LATE-ONSET; ACID MALTASE DEFICIENCY, LATE-ONSET; AMD, LATE-ONSET. Identifiers: Orphanet 420429, MedGen C0342753, MONDO:0018485, OMIM 621314.
Glycogen storage disease, type II (IOPD). Also called: POMPE DISEASE, INFANTILE-ONSET; GLYCOGEN STORAGE DISEASE II, INFANTILE-ONSET; ACID ALPHA-GLUCOSIDASE DEFICIENCY, INFANTILE-ONSET; GAA DEFICIENCY, INFANTILE-ONSET; ACID MALTASE DEFICIENCY, INFANTILE-ONSET; CARDIOMEGALIA GLYCOGENICA DIFFUSA. Identifiers: Orphanet 365, MedGen C0017921, MONDO:0009290, OMIM 232300.

Submissions (5):

ClinGen Lysosomal Storage Disorder Variant Curation Expert Panel
Classification: Likely pathogenic for Glycogen storage disease, type II. Last evaluated: 2023-05-26. Review status: reviewed by expert panel. Criteria: clingen_lsd_acmg_specifications_v2-1. Collection method: curation. Allele origin: germline. Inheritance: Autosomal recessive inheritance.
Comment: The NM_000152.5:c.1130del (p.Gly377AlafsTer15) variant in GAA is a frameshift variant that is predicted to cause a premature stop codon, leading to nonsense mediated decay in a gene in which loss-of-function is an established disease mechanism (PVS1). The highest population minor allele frequency in gnomAD v2.1.1 is 0.00002354 (3/127432 alleles) in the European non-Finnish population, which is lower than the ClinGen LSD VCEP threshold (<0.001) for PM2_Supporting, meeting this criterion (PM2_Supporting) To our knowledge, this variant has not been reported in a patient with Pompe disease in the literature, and results of functional studies are not available. There is a ClinVar entry for this variant (Variation ID: 497032). In summary, this variant meets the criteria to be classified as likely pathogenic for Pompe disease. The classification of this variant has been upgraded from Variant of Uncertain Significance to Likely Pathogenic based on the recommendations of the ClinGen Sequence Variant Interpretation Working Group, that a variant meeting PVS1 and PM2_Supporting is classified as Likely Pathogenic.GAA-specific ACMG/AMP criteria applied, as specified by the ClinGen LD VCEP (Specifications version 2.0): PVS1, PM2_Supporting.

Department of Pathophysiology and Transplantation,  Dino Ferrari Center, University of Milan
Classification: Pathogenic for Glycogen storage disease due to acid maltase deficiency, late-onset. Last evaluated: 2026-10-10. Review status: criteria provided, single submitter. Criteria: ACMG Guidelines, 2015. Collection method: research. Allele origin: germline. Observed: 9 variant alleles. Not counted in ClinVar's aggregate classification.
Comment: This indel variant is expected to result in the frameshift of the GAA reading frame producing a premature termination codon (PVS1) and it displays an extremely low frequency in gnomAD population databases (PM2). The variant has been already reported in ClinVar as pathogenic (c.1130del; VCV000497032.14; PM3). The variant (heterozygous) has been found in a subject recruited in the UKB genomic dataset (PMID: 30305743). The same subject also harbours the (heterozygous) IVS1 variant c.-32-13T>G. No information is available about the clinical features of this subject or regarding the phase of the two variants.

Genomenon, Inc
Classification: Pathogenic for Glycogen storage disease, type II. Last evaluated: 2026-07-01. Review status: criteria provided, single submitter. Criteria: Genomenon Sequence Variant Interpretation Standards - Updated. Collection method: curation. Allele origin: germline. Affected: yes. Not counted in ClinVar's aggregate classification.
Comment: GAA p.Gly377AlafsTer15 (c.1130del) is a frameshift variant that is predicted to introduce a premature termination codon and result in a truncated or absent protein product. This variant has been observed in at least one proband with a GAA-related disorder (PMID:17027861). It is absent or not present at a significant frequency in gnomAD. In conclusion, we classify GAA p.Gly377AlafsTer15 (c.1130del) as a pathogenic variant.

Broad Center for Mendelian Genomics, Broad Institute of MIT and Harvard
Classification: Likely pathogenic for Glycogen storage disease, type II. Last evaluated: 2020-01-22. Review status: criteria provided, single submitter. Criteria: ACMG Guidelines, 2015. Collection method: curation. Allele origin: germline. Inheritance: Autosomal recessive inheritance. Not counted in ClinVar's aggregate classification.
Comment: The p.Gly377AlafsTer15 variant in GAA has not been previously reported in individuals with Glycogen Storage Disease II and has been identified in 0.0023% (3/127432) of European (non-Finnish) chromosomes by the Genome Aggregation Database (gnomAD). This variant has been reported pathogenic by EGL in ClinVar (Variation ID: 497032). Although this variant has been seen in the general population, its frequency is low enough to be consistent with a recessive carrier frequency. This variant is predicted to cause a frameshift, which alters the protein's amino acid sequence beginning at position 377 and leads to a premature termination codon 15 amino acids downstream. This alteration is then predicted to lead to a truncated or absent protein. Loss of function of the GAA gene is an established disease mechanism in autosomal recessive Glycogen Storage Disease II. In summary, although additional studies are required to fully establish its clinical significance, this variant is likely pathogenic. ACMG/AMP Criteria applied: PVS1, PM2 (Richards 2015).

Eurofins Ntd Llc (ga)
Classification: Pathogenic. Last evaluated: 2017-04-03. Review status: criteria provided, single submitter. Criteria: EGL Classification Definitions 2015. Collection method: clinical testing. Allele origin: germline. Observed: 2 variant alleles, 1 heterozygote. Not counted in ClinVar's aggregate classification.

Literature cited by the submitters: PubMed 30305743 (cited by Department of Pathophysiology and Transplantation,  Dino Ferrari Center, University of Milan); PubMed 17027861 (cited by Genomenon, Inc).